The following is an entry in ClinVar:

ClinVar aggregate classification (germline): Benign/Likely benign. Review status: criteria provided, multiple submitters, no conflicts (2 of 4 stars). 7 submissions from 6 submitters: Benign (5); Likely benign (2). Last evaluated 2026-02-02.

Conditions:
Developmental delay, impaired growth, dysmorphic facies, and axonal neuropathy. Identifiers: MedGen C5436781, MONDO:0030835, OMIM 619090.
Charcot-Marie-Tooth disease axonal type 2Z. Also called: CHARCOT-MARIE-TOOTH DISEASE, AXONAL, AUTOSOMAL DOMINANT, TYPE 2Z; CHARCOT-MARIE-TOOTH NEUROPATHY, TYPE 2Z. Identifiers: Orphanet 466768, MedGen C5569025, MONDO:0014736, OMIM 616688.

Allele frequency attached by ClinVar (database versions not stated): ESP Exome Variant Server 0.00138; gnomAD exomes 0.00403 and 0.01115; 1000 Genomes Project 0.00499; 1000 Genomes Project 30x 0.00531; TOPMed 0.00563; gnomAD 0.00581 and 0.00599; ExAC 0.00857.
gnomAD v4.1: 6,733 of 1,614,092 alleles (0.42%); highest among the groups gnomAD compares: Admixed American, 3.9%; 107 homozygotes.

Submissions (7):

Labcorp Genetics (formerly Invitae), Labcorp
Classification: Benign for Charcot-Marie-Tooth disease axonal type 2Z. Last evaluated: 2026-02-02. Review status: criteria provided, single submitter. Criteria: Invitae Variant Classification Sherloc (09022015). Collection method: clinical testing. Allele origin: germline.

ARUP Laboratories, Molecular Genetics and Genomics, ARUP Laboratories
Classification: Benign. Last evaluated: 2023-11-11. Review status: criteria provided, single submitter. Criteria: ARUP Molecular Germline Variant Investigation Process 2024. Collection method: clinical testing. Allele origin: germline.

Mayo Clinic Laboratories, Mayo Clinic
Classification: Benign. Last evaluated: 2023-02-02. Review status: criteria provided, single submitter. Criteria: ACMG Guidelines, 2015. Collection method: clinical testing. Allele origin: germline. Observed: 11 variant alleles.
Comment: BS1, BS2, BP4, BP7

Genome-Nilou Lab
Classification: Benign for Charcot-Marie-Tooth disease axonal type 2Z. Last evaluated: 2022-03-15. Review status: criteria provided, single submitter. Criteria: ACMG Guidelines, 2015. Collection method: clinical testing. Allele origin: germline. Affected: no.

Genome-Nilou Lab
Classification: Benign for Developmental delay, impaired growth, dysmorphic facies, and axonal neuropathy. Last evaluated: 2022-03-15. Review status: criteria provided, single submitter. Criteria: ACMG Guidelines, 2015. Collection method: clinical testing. Allele origin: germline. Affected: no.

GeneDx
Classification: Likely benign. Last evaluated: 2020-11-16. Review status: criteria provided, single submitter. Criteria: GeneDx Variant Classification Process June 2021. Collection method: clinical testing. Allele origin: germline. Affected: yes.

Breakthrough Genomics
Classification: Likely benign. Review status: criteria provided, single submitter. Criteria: ACMG Guidelines, 2015. Collection method: not provided. Allele origin: germline. Inheritance: Autosomal dominant inheritance. Affected: yes.

NM_001303256.3(MORC2):c.234T>G (p.Ala78=)

Gene: MORC2 (MORC family CW-type zinc finger 2; minus strand). Cytogenetic location: 22q12.2.
Variant type: single nucleotide variant.
Coding change: c.234T>G on transcript NM_001303256.3 (MANE Select); coding-DNA position 234, T replaced by G.
Protein change: p.Ala78=; no amino-acid change (alanine 78 retained).
Molecular consequence: synonymous variant.
Genome position (GRCh38, 1-based): chr22:30,949,835, A>C on the plus strand (T>G on the coding strand, the complement: MORC2 is on the minus strand). VCF-style: chr22-30949835-A-C. GRCh37 (hg19) VCF-style: chr22-31345821-A-C.
Other names: p.Ala78=; c.234T>G, p.Ala78= (NM_001303257.2); c.48T>G, p.Ala16= (NM_014941.3).
Identifiers: ClinVar variation 475598 (VCV000475598.21), dbSNP rs140792905, ClinGen allele CA10187303.
Genomic context (GRCh38, chr22:30,949,835, plus strand): 5'-CCCAATCTGAGTAGACTCAGGTGTTCGCTTGGCCGACTTCCCAAACTGGATCACACTGGC[A>C]GCATCACCTGAAAGGGCAGACACAAGAGAAAGTGAAAAGTTTGCATTTCTTTCCCAGGGT-3'
Protein context (NP_001290185.1, residues 68-88): DDGAGMDPSD[Ala78=]ASVIQFGKSA